The following is an entry in ClinVar:

NM_000263.4(NAGLU):c.643C>T (p.Pro215Ser)

Gene: NAGLU (N-acetyl-alpha-glucosaminidase; plus strand). Cytogenetic location: 17q21.2.
Variant type: single nucleotide variant.
Coding change: c.643C>T on transcript NM_000263.4 (MANE Select); coding-DNA position 643, C replaced by T.
Protein change: p.Pro215Ser; replaces proline 215 with serine.
Molecular consequence: missense variant.
Genome position (GRCh38, 1-based): chr17:42,538,450, C>T. VCF-style: chr17-42538450-C-T. GRCh37 (hg19) VCF-style: chr17-40690468-C-T.
Other names: short protein forms P215S.
Identifiers: ClinVar variation 2147018 (VCV002147018.3), dbSNP rs1232044690, ClinGen allele CA399598668.
Genomic context (GRCh38, chr17:42,538,450, plus strand): 5'-GGTCCTGCCTTCCTGGCCTGGGGGCGAATGGGCAACCTGCACACCTGGGATGGCCCCCTG[C>T]CCCCCTCCTGGCACATCAAGCAGCTTTACCTGCAGGTAAAAGGATGGAAAAGGGAAGGGG-3'
Protein context (NP_000254.2, residues 205-225): GNLHTWDGPL[Pro215Ser]PSWHIKQLYL

ClinVar aggregate classification (germline): Uncertain significance. Review status: criteria provided, multiple submitters, no conflicts (2 of 4 stars). 2 submissions from 2 submitters: Uncertain significance (2). Last evaluated 2024-03-11.

Conditions:
Charcot-Marie-Tooth disease axonal type 2V. Also called: CHARCOT-MARIE-TOOTH NEUROPATHY, TYPE 2V; CHARCOT-MARIE-TOOTH DISEASE, AXONAL, AUTOSOMAL DOMINANT, TYPE 2V. Identifiers: Orphanet 447964, MedGen C5569050, MONDO:0014665, OMIM 616491.
Mucopolysaccharidosis, MPS-III-B (MPS3B). Also called: N-ACETYL-ALPHA-D-GLUCOSAMINIDASE DEFICIENCY; NAGLU DEFICIENCY; SANFILIPPO SYNDROME B; MPS III B; MUCOPOLYSACCHARIDOSIS, TYPE IIIB; MPS IIIB (Sanfilippo Syndrome Type B). Identifiers: Orphanet 79270, MedGen C0086648, MONDO:0009656, OMIM 252920.

Allele frequency attached by ClinVar (database versions not stated): TOPMed below 0.00001; gnomAD exomes 0.00002; gnomAD 0.00001.

Submissions (2):

Women's Health and Genetics/Laboratory Corporation of America, LabCorp
Classification: Uncertain significance. Last evaluated: 2024-03-11. Review status: criteria provided, single submitter. Criteria: LabCorp Variant Classification Summary - May 2015. Collection method: clinical testing. Allele origin: germline.
Comment: Variant summary: NAGLU c.643C>T (p.Pro215Ser) results in a non-conservative amino acid change located in the Alpha-N-acetylglucosaminidase, tim-barrel domain (IPR024733) of the encoded protein sequence. Three of five in-silico tools predict a damaging effect of the variant on protein function. The frequency data for this variant in gnomAD is considered unreliable, as metrics indicate poor data quality at this position. To our knowledge, no occurrence of c.643C>T in individuals affected with Mucopolysaccharidosis Type IIIB (Sanfilippo Syndrome B) and no experimental evidence demonstrating its impact on protein function have been reported. ClinVar contains an entry for this variant (Variation ID: 2147018). Based on the evidence outlined above, the variant was classified as uncertain significance.

Labcorp Genetics (formerly Invitae), Labcorp
Classification: Uncertain significance for Charcot-Marie-Tooth disease axonal type 2V; Mucopolysaccharidosis, MPS-III-B. Last evaluated: 2022-05-19. Review status: criteria provided, single submitter. Criteria: Invitae Variant Classification Sherloc (09022015). Collection method: clinical testing. Allele origin: germline.
Comment: This sequence change replaces proline, which is neutral and non-polar, with serine, which is neutral and polar, at codon 215 of the NAGLU protein (p.Pro215Ser). This variant is not present in population databases (gnomAD no frequency). This variant has not been reported in the literature in individuals affected with NAGLU-related conditions. Advanced modeling of protein sequence and biophysical properties (such as structural, functional, and spatial information, amino acid conservation, physicochemical variation, residue mobility, and thermodynamic stability) performed at Invitae indicates that this missense variant is not expected to disrupt NAGLU protein function. In summary, the available evidence is currently insufficient to determine the role of this variant in disease. Therefore, it has been classified as a Variant of Uncertain Significance.